The following is an entry in ClinVar:

NM_001830.4(CLCN4):c.1457G>A (p.Gly486Asp)

Gene: CLCN4 (chloride voltage-gated channel 4; plus strand). Cytogenetic location: Xp22.2.
Variant type: single nucleotide variant.
Coding change: c.1457G>A on transcript NM_001830.4 (MANE Select); coding-DNA position 1457, G replaced by A.
Protein change: p.Gly486Asp; replaces glycine 486 with aspartic acid.
Molecular consequence: missense variant.
Genome position (GRCh38, 1-based): chrX:10,212,534, G>A. VCF-style: chrX-10212534-G-A. GRCh37 (hg19) VCF-style: chrX-10180574-G-A.
Other names: c.1175G>A, p.Gly392Asp (NM_001256944.2); c.1457G>A (NM_001830.3); short protein forms G392D, G486D.
Identifiers: ClinVar variation 2077022 (VCV002077022.5), dbSNP rs2518888000, ClinGen allele CA412040811.

ClinVar aggregate classification (germline): Uncertain significance. Review status: criteria provided, multiple submitters, no conflicts (2 of 4 stars). 2 submissions from 2 submitters: Uncertain significance (2). Last evaluated 2023-04-20.

Submissions (2):

GeneDx
Classification: Uncertain significance. Last evaluated: 2023-04-20. Review status: criteria provided, single submitter. Criteria: GeneDx Variant Classification Process June 2021. Collection method: clinical testing. Allele origin: germline. Affected: yes.
Comment: Not observed at significant frequency in large population cohorts (gnomAD); In silico analysis supports that this missense variant has a deleterious effect on protein structure/function; Has not been previously published as pathogenic or benign to our knowledge

Labcorp Genetics (formerly Invitae), Labcorp
Classification: Uncertain significance. Last evaluated: 2022-01-07. Review status: criteria provided, single submitter. Criteria: Invitae Variant Classification Sherloc (09022015). Collection method: clinical testing. Allele origin: germline.
Comment: In summary, the available evidence is currently insufficient to determine the role of this variant in disease. Therefore, it has been classified as a Variant of Uncertain Significance. Algorithms developed to predict the effect of missense changes on protein structure and function are either unavailable or do not agree on the potential impact of this missense change (SIFT: "Tolerated"; PolyPhen-2: "Possibly Damaging"; Align-GVGD: "Class C0"). This variant has not been reported in the literature in individuals affected with CLCN4-related conditions. This variant is not present in population databases (gnomAD no frequency). This sequence change replaces glycine, which is neutral and non-polar, with aspartic acid, which is acidic and polar, at codon 486 of the CLCN4 protein (p.Gly486Asp).